The following is an entry in ClinVar:

ClinVar aggregate classification (germline): Pathogenic (1 of 4 stars; one submission).

Conditions:
Intellectual developmental disorder with microcephaly and with or without ocular malformations or hypogonadotropic hypogonadism. Also called: Intellectual disability, autosomal dominant 27; Coffin-Siris Syndrome 9. Identifiers: Orphanet 1465, MedGen C4014528, MONDO:0014376, OMIM 615866.

Submission:

SIB Swiss Institute of Bioinformatics
Classification: Pathogenic for Intellectual developmental disorder with microcephaly and with or without ocular malformations or hypogonadotropic hypogonadism. Last evaluated: 2023-03-09. Review status: criteria provided, single submitter. Criteria: ACMG Guidelines, 2015. Collection method: curation. Allele origin: unknown.
Comment: This variant is interpreted as pathogenic for Intellectual developmental disorder with microcephaly and with or without ocular malformations or hypogonadotropic hypogonadism, autosomal dominant. The following ACMG Tag(s) were applied: Absent from controls (or at extremely low frequency if recessive) in Exome Sequencing Project, 1000 Genomes Project, or Exome Aggregation Consortium (PM2); De novo paternity and maternity not confirmed (PM6 upgraded to strong; 2 de novo occurrences); Located in a mutational hot spot and/or critical and well-established functional domain (e.g., active site of an enzyme) without benign variation (PM1); Novel missense change at an amino acid residue where a different missense change determined to be pathogenic has been seen before (PM5); Multiple lines of computational evidence support a deleterious effect on the gene or gene product (PP3).

Literature cited by the submitters: PubMed 35341651.

NM_003108.4(SOX11):c.148A>C (p.Lys50Gln)

Gene: SOX11 (SRY-box transcription factor 11; plus strand). Cytogenetic location: 2p25.2.
Variant type: single nucleotide variant.
Coding change: c.148A>C on transcript NM_003108.4 (MANE Select); coding-DNA position 148, A replaced by C.
Protein change: p.Lys50Gln; replaces lysine 50 with glutamine.
Molecular consequence: missense variant.
Genome position (GRCh38, 1-based): chr2:5,692,869, A>C. VCF-style: chr2-5692869-A-C. GRCh37 (hg19) VCF-style: chr2-5833001-A-C.
Other names: short protein forms K50Q.
Identifiers: ClinVar variation 2443030 (VCV002443030.1), dbSNP rs2465087382, ClinGen allele CA345866044.